The following is an entry in ClinVar:

ClinVar aggregate classification (germline): Uncertain significance (1 of 4 stars; one submission).

Allele frequency attached by ClinVar (database versions not stated): gnomAD exomes below 0.00001.
gnomAD v4.1: 1 of 1,485,598 alleles (0.000067%); highest among the groups gnomAD compares: Admixed American, 0.002%; no homozygotes.

Submission:

Labcorp Genetics (formerly Invitae), Labcorp
Classification: Uncertain significance. Last evaluated: 2022-05-07. Review status: criteria provided, single submitter. Criteria: Invitae Variant Classification Sherloc (09022015). Collection method: clinical testing. Allele origin: germline.
Comment: This sequence change falls in intron 4 of the MFF gene. It does not directly change the encoded amino acid sequence of the MFF protein. It affects a nucleotide within the consensus splice site. This variant is not present in population databases (gnomAD no frequency). This variant has not been reported in the literature in individuals affected with MFF-related conditions. Variants that disrupt the consensus splice site are a relatively common cause of aberrant splicing (PMID: 17576681, 9536098). Algorithms developed to predict the effect of sequence changes on RNA splicing suggest that this variant is not likely to affect RNA splicing. In summary, the available evidence is currently insufficient to determine the role of this variant in disease. Therefore, it has been classified as a Variant of Uncertain Significance.

Literature cited by the submitters: PubMed 17576681; PubMed 9536098.

NM_001277062.2(MFF):c.182-3T>C

Gene: MFF (mitochondrial fission factor; plus strand). Cytogenetic location: 2q36.3.
Variant type: single nucleotide variant.
Coding change: c.182-3T>C on transcript NM_001277062.2 (MANE Select); 3 bases into the intron before coding-DNA position 182, T replaced by C.
Molecular consequence: intron variant.
Genome position (GRCh38, 1-based): chr2:227,332,416, T>C. VCF-style: chr2-227332416-T-C. GRCh37 (hg19) VCF-style: chr2-228197132-T-C.
Other names: c.260-3T>C (NM_001277061.2, NM_020194.5); c.182-3T>C (NM_001277063.2, NM_001277064.2, NM_001277065.2 and 2 more transcripts); c.32-3T>C (NM_001277067.1).
Identifiers: ClinVar variation 1929742 (VCV001929742.2), dbSNP rs1172124356, ClinGen allele CA765692854.